The following is an entry in ClinVar:

NM_004563.4(PCK2):c.1429G>A (p.Ala477Thr)

Genes: NRL (neural retina leucine zipper; minus strand), PCK2 (phosphoenolpyruvate carboxykinase 2, mitochondrial; plus strand). Cytogenetic location: 14q12.
Variant type: single nucleotide variant.
Coding change: c.1429G>A on transcript NM_004563.4 (MANE Select); coding-DNA position 1429, G replaced by A.
Protein change: p.Ala477Thr; replaces alanine 477 with threonine.
Molecular consequence: missense variant. On other transcripts: intron variant (3).
Genome position (GRCh38, 1-based): chr14:24,103,216, G>A. VCF-style: chr14-24103216-G-A. GRCh37 (hg19) VCF-style: chr14-24572425-G-A.
Other names: c.1027G>A, p.Ala343Thr (NM_001291556.2, NM_001308054.2); c.-28+11506C>T (NM_001354768.3, NM_001354770.2); c.-254+11506C>T (NM_006177.5); c.1429G>A (NM_004563.3); short protein forms A343T, A477T.
Identifiers: ClinVar variation 2896423 (VCV002896423.4), dbSNP rs61737097, ClinGen allele CA7123491.
Genomic context (GRCh38, chr14:24,103,216, plus strand): 5'-CTAGGGGTACCCCTGGTATACGAGGCCTTCAACTGGCGTCATGGGGTGTTTGTGGGCAGC[G>A]CCATGCGCTCTGAGTCCACTGCTGCAGCAGAACACAAAGGTGAGCACCCTCACCATTCCT-3'
Protein context (NP_004554.3, residues 467-487): NWRHGVFVGS[Ala477Thr]MRSESTAAAE

ClinVar aggregate classification (germline): Uncertain significance. Review status: criteria provided, single submitter (1 of 4 stars). 2 submissions from 2 submitters: Uncertain significance (1). 1 of the submissions does not count toward it. Last evaluated 2023-02-13.

Conditions:
PCK2-related disorder. Also called: PCK2-related condition.

Allele frequency attached by ClinVar (database versions not stated): gnomAD 0.00002; gnomAD exomes 0.00003; ExAC 0.00006; TOPMed 0.00006.
gnomAD v4.1: 44 of 1,613,914 alleles (0.0027%); highest among the groups gnomAD compares: Admixed American, 0.01%; no homozygotes.

Submissions (2):

Labcorp Genetics (formerly Invitae), Labcorp
Classification: Uncertain significance. Last evaluated: 2023-02-13. Review status: criteria provided, single submitter. Criteria: Invitae Variant Classification Sherloc (09022015). Collection method: clinical testing. Allele origin: germline.
Comment: In summary, the available evidence is currently insufficient to determine the role of this variant in disease. Therefore, it has been classified as a Variant of Uncertain Significance. Advanced modeling of protein sequence and biophysical properties (such as structural, functional, and spatial information, amino acid conservation, physicochemical variation, residue mobility, and thermodynamic stability) performed at Invitae indicates that this missense variant is not expected to disrupt PCK2 protein function. This variant has not been reported in the literature in individuals affected with PCK2-related conditions. This variant is present in population databases (rs61737097, gnomAD 0.007%). This sequence change replaces alanine, which is neutral and non-polar, with threonine, which is neutral and polar, at codon 477 of the PCK2 protein (p.Ala477Thr).

PreventionGenetics, part of Exact Sciences
Classification: Uncertain significance for PCK2-related condition. Last evaluated: 2024-05-09. Review status: no assertion criteria provided. Collection method: clinical testing. Allele origin: germline. Not counted in ClinVar's aggregate classification.
Comment: The PCK2 c.1429G>A variant is predicted to result in the amino acid substitution p.Ala477Thr. To our knowledge, this variant has not been reported in the literature. This variant is reported in 0.0093% of alleles in individuals of European (Finnish) descent in gnomAD. At this time, the clinical significance of this variant is uncertain due to the absence of conclusive functional and genetic evidence.